The following is an entry in ClinVar:

NM_025137.4(SPG11):c.1780A>G (p.Ile594Val)

Gene: SPG11 (SPG11 vesicle trafficking associated, spatacsin; minus strand). Cytogenetic location: 15q21.1.
Variant type: single nucleotide variant.
Coding change: c.1780A>G on transcript NM_025137.4 (MANE Select); coding-DNA position 1780, A replaced by G.
Protein change: p.Ile594Val; replaces isoleucine 594 with valine.
Molecular consequence: missense variant.
Genome position (GRCh38, 1-based): chr15:44,629,344, T>C on the plus strand (A>G on the coding strand, the complement: SPG11 is on the minus strand). VCF-style: chr15-44629344-T-C. GRCh37 (hg19) VCF-style: chr15-44921542-T-C.
Other names: c.1780A>G, p.Ile594Val (NM_001160227.2); short protein forms I594V.
Identifiers: ClinVar variation 582658 (VCV000582658.5), dbSNP rs762177930, ClinGen allele CA7535439.

ClinVar aggregate classification (germline): Uncertain significance. Review status: criteria provided, multiple submitters, no conflicts (2 of 4 stars). 2 submissions from 2 submitters: Uncertain significance (2). Last evaluated 2024-06-26.

Conditions:
Inborn genetic diseases. Identifiers: MedGen C0950123, MeSH D030342.
Hereditary spastic paraplegia 11. Also called: Spastic paraplegia, mental retardation and thin corpus callosum; SPASTIC PARAPLEGIA, AUTOSOMAL RECESSIVE, COMPLICATED, WITH THIN CORPUS CALLOSUM; SPASTIC PARAPLEGIA, AUTOSOMAL RECESSIVE, WITH MENTAL IMPAIRMENT AND THIN CORPUS CALLOSUM; Spastic Paraplegia 11; Nakamura Osame syndrome; Autosomal recessive hereditary spastic paraplegia, mental impairment, and thin corpus callosum. Identifiers: Orphanet 2822, MedGen C1858479, MONDO:0011445, OMIM 604360.

Allele frequency attached by ClinVar (database versions not stated): gnomAD exomes below 0.00001 and 0.00001; ExAC 0.00001.
gnomAD v4.1: 4 of 1,614,180 alleles (0.00025%); highest among the groups gnomAD compares: South Asian, 0.0011%; no homozygotes.

Submissions (2):

Ambry Genetics
Classification: Uncertain significance for Inborn genetic diseases. Last evaluated: 2024-06-26. Review status: criteria provided, single submitter. Criteria: Ambry Variant Classification Scheme 2023. Collection method: clinical testing. Allele origin: germline.

Labcorp Genetics (formerly Invitae), Labcorp
Classification: Uncertain significance for Hereditary spastic paraplegia 11. Last evaluated: 2022-03-28. Review status: criteria provided, single submitter. Criteria: Invitae Variant Classification Sherloc (09022015). Collection method: clinical testing. Allele origin: germline.
Comment: This sequence change replaces isoleucine, which is neutral and non-polar, with valine, which is neutral and non-polar, at codon 594 of the SPG11 protein (p.Ile594Val). This variant is present in population databases (rs762177930, gnomAD 0.002%). This variant has not been reported in the literature in individuals affected with SPG11-related conditions. ClinVar contains an entry for this variant (Variation ID: 582658). Algorithms developed to predict the effect of missense changes on protein structure and function (SIFT, PolyPhen-2, Align-GVGD) all suggest that this variant is likely to be tolerated. Algorithms developed to predict the effect of sequence changes on RNA splicing suggest that this variant may create or strengthen a splice site. In summary, the available evidence is currently insufficient to determine the role of this variant in disease. Therefore, it has been classified as a Variant of Uncertain Significance.